The following is an entry in ClinVar:

ClinVar aggregate classification (germline): Uncertain significance. Review status: criteria provided, multiple submitters, no conflicts (2 of 4 stars). 2 submissions from 2 submitters: Uncertain significance (2). Last evaluated 2025-02-03.

Conditions:
Fanconi anemia (FA). Also called: Fanconi's anemia. Identifiers: Orphanet 84, MedGen C0015625, MeSH D005199, MONDO:0019391.
Inborn genetic diseases. Identifiers: MedGen C0950123, MeSH D030342.

gnomAD v4.1: 3 of 1,614,042 alleles (0.00019%); highest among the groups gnomAD compares: East Asian, 0.0045%; no homozygotes.

Submissions (2):

Ambry Genetics
Classification: Uncertain significance for Inborn genetic diseases. Last evaluated: 2025-02-03. Review status: criteria provided, single submitter. Criteria: Ambry Variant Classification Scheme 2023. Collection method: clinical testing. Allele origin: germline.
Comment: The p.S1212Y variant (also known as c.3635C>A), located in coding exon 37 of the FANCA gene, results from a C to A substitution at nucleotide position 3635. The serine at codon 1212 is replaced by tyrosine, an amino acid with dissimilar properties. This amino acid position is conserved. In addition, this alteration is predicted to be tolerated by in silico analysis. Based on the available evidence, the clinical significance of this variant remains unclear.

Labcorp Genetics (formerly Invitae), Labcorp
Classification: Uncertain significance for Fanconi anemia. Last evaluated: 2025-01-22. Review status: criteria provided, single submitter. Criteria: Invitae Variant Classification Sherloc (09022015). Collection method: clinical testing. Allele origin: germline.
Comment: This sequence change replaces serine, which is neutral and polar, with tyrosine, which is neutral and polar, at codon 1212 of the FANCA protein (p.Ser1212Tyr). This variant is present in population databases (no rsID available, gnomAD 0.006%). This variant has not been reported in the literature in individuals affected with FANCA-related conditions. ClinVar contains an entry for this variant (Variation ID: 2146339). Invitae Evidence Modeling of protein sequence and biophysical properties (such as structural, functional, and spatial information, amino acid conservation, physicochemical variation, residue mobility, and thermodynamic stability) indicates that this missense variant is not expected to disrupt FANCA protein function with a negative predictive value of 95%. In summary, the available evidence is currently insufficient to determine the role of this variant in disease. Therefore, it has been classified as a Variant of Uncertain Significance.

NM_000135.4(FANCA):c.3635C>A (p.Ser1212Tyr)

Gene: FANCA (FA complementation group A; minus strand). Cytogenetic location: 16q24.3.
Variant type: single nucleotide variant.
Coding change: c.3635C>A on transcript NM_000135.4 (MANE Select); coding-DNA position 3635, C replaced by A.
Protein change: p.Ser1212Tyr; replaces serine 1212 with tyrosine.
Molecular consequence: missense variant.
Genome position (GRCh38, 1-based): chr16:89,742,930, G>T on the plus strand (C>A on the coding strand, the complement: FANCA is on the minus strand). VCF-style: chr16-89742930-G-T. GRCh37 (hg19) VCF-style: chr16-89809338-G-T.
Other names: c.3635C>A, p.Ser1212Tyr (NM_001286167.3); short protein forms S1212Y.
Identifiers: ClinVar variation 2146339 (VCV002146339.4), dbSNP rs1203053045, ClinGen allele CA397485539.